The following is an entry in ClinVar:

NM_058004.4(PI4KA):c.4406C>T (p.Ser1469Leu)

Gene: PI4KA (phosphatidylinositol 4-kinase alpha; minus strand). Cytogenetic location: 22q11.21.
Variant type: single nucleotide variant.
Coding change: c.4406C>T on transcript NM_058004.4 (MANE Select); coding-DNA position 4406, C replaced by T.
Protein change: p.Ser1469Leu; replaces serine 1469 with leucine.
Molecular consequence: missense variant.
Genome position (GRCh38, 1-based): chr22:20,729,894, G>A on the plus strand (C>T on the coding strand, the complement: PI4KA is on the minus strand). VCF-style: chr22-20729894-G-A. GRCh37 (hg19) VCF-style: chr22-21084182-G-A.
Other names: c.4313C>T, p.Ser1438Leu (NM_001362862.2); c.4340C>T, p.Ser1447Leu (NM_001362863.2); short protein forms S1438L, S1447L, S1469L.
Identifiers: ClinVar variation 3342962 (VCV003342962.1).
Genomic context (GRCh38, chr22:20,729,894, plus strand): 5'-CTTGCAACTAGAATGATAGCTTGCATGTGATGGCCCCAGCAGCACACCTCCCACCGACCT[G>A]ATTTCTTGGAGATGGTGGACATGCCGCTGGACAGGGGGTATGTGTTGATCCAGCCTTGGG-3'
Protein context (NP_477352.3, residues 1459-1479): SSGMSTISKK[Ser1469Leu]GMSKKTNRGS

ClinVar aggregate classification (germline): Uncertain significance (1 of 4 stars; one submission).

Submission:

GeneDx
Classification: Uncertain significance. Last evaluated: 2023-04-06. Review status: criteria provided, single submitter. Criteria: GeneDx Variant Classification Process June 2021. Collection method: clinical testing. Allele origin: germline. Affected: yes.
Comment: Not observed at significant frequency in large population cohorts (gnomAD); In silico analysis supports that this missense variant has a deleterious effect on protein structure/function; Has not been previously published as pathogenic or benign to our knowledge